The following is an entry in ClinVar:

NM_016648.3:c.392_997del

Gene: LARP7 (La ribonucleoprotein 7, transcriptional regulator; plus strand).
Variant type: Deletion.
Identifiers: ClinVar variation 1172609 (VCV001172609.1).

ClinVar aggregate classification (germline): Pathogenic (1 of 4 stars; one submission).

Conditions:
Epileptic encephalopathy. Identifiers: MedGen C0543888, HP:0200134.

Submission:

Equipe Genetique des Anomalies du Developpement, Université de Bourgogne
Classification: Pathogenic for Epileptic encephalopathy. Review status: criteria provided, single submitter. Criteria: ACMG Guidelines, 2015. Collection method: clinical testing. Allele origin: maternal. Affected: yes.